The following is an entry in ClinVar:

ClinVar aggregate classification (germline): Uncertain significance (1 of 4 stars; one submission).

Conditions:
Myopathy, proximal, and ophthalmoplegia (CMYO6). Also called: MYOPATHY WITH CONGENITAL JOINT CONTRACTURES, OPHTHALMOPLEGIA, AND RIMMED VACUOLES; INCLUSION BODY MYOPATHY 3, AUTOSOMAL DOMINANT; CONGENITAL MYOPATHY 6 WITH OPHTHALMOPLEGIA. Identifiers: Orphanet 363677, Orphanet 79091, MedGen C1854106, MONDO:0011577, OMIM 605637.

Submission:

Labcorp Genetics (formerly Invitae), Labcorp
Classification: Uncertain significance for Myopathy, proximal, and ophthalmoplegia. Last evaluated: 2022-10-13. Review status: criteria provided, single submitter. Criteria: Invitae Variant Classification Sherloc (09022015). Collection method: clinical testing. Allele origin: germline.
Comment: Advanced modeling of protein sequence and biophysical properties (such as structural, functional, and spatial information, amino acid conservation, physicochemical variation, residue mobility, and thermodynamic stability) performed at Invitae indicates that this missense variant is expected to disrupt MYH2 protein function. In summary, the available evidence is currently insufficient to determine the role of this variant in disease. Therefore, it has been classified as a Variant of Uncertain Significance. ClinVar contains an entry for this variant (Variation ID: 1422621). This variant has not been reported in the literature in individuals affected with MYH2-related conditions. This variant is not present in population databases (gnomAD no frequency). This sequence change replaces methionine, which is neutral and non-polar, with isoleucine, which is neutral and non-polar, at codon 782 of the MYH2 protein (p.Met782Ile).

NM_017534.6(MYH2):c.2346G>A (p.Met782Ile)

Genes: MYHAS (myosin heavy chain gene cluster antisense RNA; plus strand), MYH2 (myosin heavy chain 2; minus strand). Cytogenetic location: 17p13.1.
Variant type: single nucleotide variant.
Coding change: c.2346G>A on transcript NM_017534.6 (MANE Select); coding-DNA position 2346, G replaced by A.
Protein change: p.Met782Ile; replaces methionine 782 with isoleucine.
Molecular consequence: missense variant.
Genome position (GRCh38, 1-based): chr17:10,533,380, C>T on the plus strand (G>A on the coding strand, the complement: MYH2 is on the minus strand). VCF-style: chr17-10533380-C-T. GRCh37 (hg19) VCF-style: chr17-10436697-C-T.
Other names: c.2346G>A, p.Met782Ile (NM_001100112.2); short protein forms M782I.
Identifiers: ClinVar variation 1422621 (VCV001422621.6), dbSNP rs2142305497, ClinGen allele CA398148397.
Genomic context (GRCh38, chr17:10,533,380, plus strand): 5'-CAAGAACCCTCTGCACCTGGCCTGGGTTCGGGTAATCAGCTGGGCCAGCTTGTCATCTCG[C>T]ATCTCCTCTAGGAGCCCCAGAAGACCAGCTTTGAAAAAGACCTGTGAATGGAAAGAGTTG-3'
Protein context (NP_060004.3, residues 772-792): KAGLLGLLEE[Met782Ile]RDDKLAQLIT